The following is an entry in ClinVar:

ClinVar aggregate classification (germline): Uncertain significance (1 of 4 stars; one submission).

Allele frequency attached by ClinVar (database versions not stated): gnomAD exomes below 0.00001; ExAC 0.00001; TOPMed 0.00002; gnomAD 0.00003.
gnomAD v4.1: 7 of 1,595,484 alleles (0.00044%); highest among the groups gnomAD compares: African/African-American, 0.0094%; no homozygotes.

Submission:

Labcorp Genetics (formerly Invitae), Labcorp
Classification: Uncertain significance. Last evaluated: 2023-03-31. Review status: criteria provided, single submitter. Criteria: Invitae Variant Classification Sherloc (09022015). Collection method: clinical testing. Allele origin: germline.
Comment: In summary, the available evidence is currently insufficient to determine the role of this variant in disease. Therefore, it has been classified as a Variant of Uncertain Significance. An algorithm developed to predict the effect of missense changes on protein structure and function (PolyPhen-2) suggests that this variant is likely to be disruptive. This variant has not been reported in the literature in individuals affected with TRIM8-related conditions. The frequency data for this variant in the population databases is considered unreliable, as metrics indicate poor data quality at this position in the gnomAD database. This sequence change replaces leucine, which is neutral and non-polar, with methionine, which is neutral and non-polar, at codon 134 of the TRIM8 protein (p.Leu134Met).

NM_030912.3(TRIM8):c.400C>A (p.Leu134Met)

Gene: TRIM8 (tripartite motif containing 8; plus strand). Cytogenetic location: 10q24.32.
Variant type: single nucleotide variant.
Coding change: c.400C>A on transcript NM_030912.3 (MANE Select); coding-DNA position 400, C replaced by A.
Protein change: p.Leu134Met; replaces leucine 134 with methionine.
Molecular consequence: missense variant. On other transcripts: non-coding transcript variant (1).
Genome position (GRCh38, 1-based): chr10:102,645,017, C>A. VCF-style: chr10-102645017-C-A. GRCh37 (hg19) VCF-style: chr10-104404774-C-A.
Other names: c.400C>A, p.Leu134Met (NM_001345950.1); short protein forms L134M.
Identifiers: ClinVar variation 2973687 (VCV002973687.3), dbSNP rs760875436, ClinGen allele CA5668074.